The following is an entry in ClinVar:

NM_006267.5(RANBP2):c.3032C>T (p.Pro1011Leu)

Gene: RANBP2 (RAN binding protein 2; plus strand). Cytogenetic location: 2q13.
Variant type: single nucleotide variant.
Coding change: c.3032C>T on transcript NM_006267.5 (MANE Select); coding-DNA position 3032, C replaced by T.
Protein change: p.Pro1011Leu; replaces proline 1011 with leucine.
Molecular consequence: missense variant.
Genome position (GRCh38, 1-based): chr2:108,763,571, C>T. VCF-style: chr2-108763571-C-T. GRCh37 (hg19) VCF-style: chr2-109380027-C-T.
Other names: c.3032C>T (NM_006267.4); short protein forms P1011L.
Identifiers: ClinVar variation 1020920 (VCV001020920.10), dbSNP rs777962677, ClinGen allele CA1822859.

ClinVar aggregate classification (germline): Uncertain significance. Review status: criteria provided, multiple submitters, no conflicts (2 of 4 stars). 2 submissions from 2 submitters: Uncertain significance (2). Last evaluated 2025-09-10.

Conditions:
Familial acute necrotizing encephalopathy (IIAE3). Also called: ENCEPHALOPATHY, ACUTE, INFECTION-INDUCED, SUSCEPTIBILITY TO, 3; Susceptibility to Acute Necrotizing Encephalopathy 1. Identifiers: Orphanet 88619, MedGen C2675556, MONDO:0011953, OMIM 608033.

Allele frequency attached by ClinVar (database versions not stated): gnomAD 0.00001; ExAC 0.00002; gnomAD exomes 0.00002; TOPMed 0.00002.
gnomAD v4.1: 22 of 1,613,922 alleles (0.0014%); highest among the groups gnomAD compares: South Asian, 0.012%; no homozygotes.

Submissions (2):

Ambry Genetics
Classification: Uncertain significance. Last evaluated: 2025-09-10. Review status: criteria provided, single submitter. Criteria: Ambry Variant Classification Scheme 2023. Collection method: clinical testing. Allele origin: germline.

Labcorp Genetics (formerly Invitae), Labcorp
Classification: Uncertain significance for Familial acute necrotizing encephalopathy. Last evaluated: 2024-10-15. Review status: criteria provided, single submitter. Criteria: Invitae Variant Classification Sherloc (09022015). Collection method: clinical testing. Allele origin: germline.
Comment: This sequence change replaces proline, which is neutral and non-polar, with leucine, which is neutral and non-polar, at codon 1011 of the RANBP2 protein (p.Pro1011Leu). This variant is present in population databases (rs777962677, gnomAD 0.01%). This variant has not been reported in the literature in individuals affected with RANBP2-related conditions. ClinVar contains an entry for this variant (Variation ID: 1020920). An algorithm developed to predict the effect of missense changes on protein structure and function (PolyPhen-2) suggests that this variant is likely to be tolerated. In summary, the available evidence is currently insufficient to determine the role of this variant in disease. Therefore, it has been classified as a Variant of Uncertain Significance.